The following is an entry in ClinVar:

ClinVar aggregate classification (germline): Pathogenic. Review status: criteria provided, multiple submitters, no conflicts (2 of 4 stars). 6 submissions from 6 submitters: Pathogenic (5). 1 of the submissions does not count toward it. Last evaluated 2025-07-23.

Conditions:
Mucopolysaccharidosis, MPS-III-A (MPS3A). Also called: Mucopolysaccharidosis, type IIIA; MPS IIIA (Sanfilippo Syndrome Type A); MPS III A; SANFILIPPO SYNDROME A; SULFAMIDASE DEFICIENCY; Mucopolysaccharidosis type IIIA (Sanfilippo A). Identifiers: Orphanet 581, Orphanet 79269, MedGen C0086647, MONDO:0009655, OMIM 252900.

Allele frequency attached by ClinVar (database versions not stated): gnomAD 0.00001; gnomAD exomes 0.00001; TOPMed 0.00001.
gnomAD v4.1: 10 of 1,613,114 alleles (0.00062%); highest among the groups gnomAD compares: African/African-American, 0.0027%; no homozygotes.

Submissions (6):

Natera, Inc.
Classification: Pathogenic for Mucopolysaccharidosis type IIIA. Last evaluated: 2025-07-23. Review status: criteria provided, single submitter. Criteria: Natera Variant Classification Schema (03/2026). Collection method: clinical testing. Allele origin: germline.
Comment: The c.582T>A variant in SGSH is a nonsense variant predicted to introduce a stop codon at amino acid 194. This variant is expected to result in nonsense mediated decay, truncation, or a dysfunctional protein product. This variant is rare in the general population with a frequency below the threshold expected for the associated phenotype(s). This variant has been observed in one or more individuals affected with the associated recessive disease, as either homozygous or compound heterozygous with a second variant (PMID: 22976768). Given the available evidence, this variant is classified as Pathogenic.

Labcorp Genetics (formerly Invitae), Labcorp
Classification: Pathogenic for Mucopolysaccharidosis, MPS-III-A. Last evaluated: 2025-04-22. Review status: criteria provided, single submitter. Criteria: Invitae Variant Classification Sherloc (09022015). Collection method: clinical testing. Allele origin: germline.
Comment: This sequence change creates a premature translational stop signal (p.Cys194*) in the SGSH gene. It is expected to result in an absent or disrupted protein product. Loss-of-function variants in SGSH are known to be pathogenic (PMID: 11182930, 21204211, 22976768). This variant is not present in population databases (gnomAD no frequency). This premature translational stop signal has been observed in individual(s) with mucopolysaccharidosis type III (PMID: 22976768). ClinVar contains an entry for this variant (Variation ID: 557068). For these reasons, this variant has been classified as Pathogenic.

Baylor Genetics
Classification: Pathogenic for Mucopolysaccharidosis, MPS-III-A. Last evaluated: 2024-01-16. Review status: criteria provided, single submitter. Criteria: ACMG Guidelines, 2015. Collection method: clinical testing. Allele origin: unknown.

GeneDx
Classification: Pathogenic. Last evaluated: 2023-07-27. Review status: criteria provided, single submitter. Criteria: GeneDx Variant Classification Process June 2021. Collection method: clinical testing. Allele origin: germline. Affected: yes.
Comment: Identified in two unrelated individuals with clinical features of mucopolysaccharidosis type IIIA who also possessed a second SGSH variant in published literature (Pollard et al., 2013); Not observed in large population cohorts (gnomAD); Nonsense variant predicted to result in protein truncation or nonsense mediated decay in a gene for which loss of function is a known mechanism of disease; This variant is associated with the following publications: (PMID: 22976768)

Genome-Nilou Lab
Classification: Pathogenic for Mucopolysaccharidosis, MPS-III-A. Last evaluated: 2021-11-07. Review status: criteria provided, single submitter. Criteria: ACMG Guidelines, 2015. Collection method: clinical testing. Allele origin: germline. Affected: no.

Counsyl
Classification: Pathogenic for Mucopolysaccharidosis, MPS-III-A. Last evaluated: 2018-03-09. Review status: no assertion criteria provided. Collection method: clinical testing. Allele origin: unknown. Not counted in ClinVar's aggregate classification.

Literature cited by the submitters: PubMed 22976768 (cited by 3 submitters); PubMed 11182930 (cited by Labcorp Genetics (formerly Invitae), Labcorp); PubMed 21204211 (cited by Labcorp Genetics (formerly Invitae), Labcorp).

NM_000199.5(SGSH):c.582T>A (p.Cys194Ter)

Gene: SGSH (N-sulfoglucosamine sulfohydrolase; minus strand). Cytogenetic location: 17q25.3.
Variant type: single nucleotide variant.
Coding change: c.582T>A on transcript NM_000199.5 (MANE Select); coding-DNA position 582, T replaced by A.
Protein change: p.Cys194Ter; replaces cysteine 194 with a stop codon.
Molecular consequence: nonsense. On other transcripts: non-coding transcript variant (1).
Genome position (GRCh38, 1-based): chr17:80,214,253, A>T on the plus strand (T>A on the coding strand, the complement: SGSH is on the minus strand). VCF-style: chr17-80214253-A-T. GRCh37 (hg19) VCF-style: chr17-78188052-A-T.
Other names: c.582T>A, p.Cys194Ter (NM_001352921.3, NM_001352922.2); c.582T>A (NM_000199.4); short protein forms C194*.
Identifiers: ClinVar variation 557068 (VCV000557068.20), dbSNP rs1555621659, ClinGen allele CA401361995.